The following is an entry in ClinVar:

ClinVar aggregate classification (germline): Pathogenic (1 of 4 stars; one submission).

Conditions:
Marfan syndrome (MFS). Also called: FBN1-Related Marfan Syndrome; MARFAN SYNDROME, TYPE I; Marfan syndrome type 1; Marfan's syndrome; Marfan syndrome, classic. Identifiers: Orphanet 284963, Orphanet 558, MedGen C0024796, MONDO:0007947, OMIM 154700.
Familial thoracic aortic aneurysm and aortic dissection (TAAD). Also called: Thoracic aortic aneurysms and dissections. Identifiers: Orphanet 91387, MedGen C4707243, MONDO:0019625.

Submission:

Labcorp Genetics (formerly Invitae), Labcorp
Classification: Pathogenic for Marfan syndrome; Familial thoracic aortic aneurysm and aortic dissection. Last evaluated: 2025-09-27. Review status: criteria provided, single submitter. Criteria: Invitae Variant Classification Sherloc (09022015). Collection method: clinical testing. Allele origin: germline.
Comment: This sequence change creates a premature translational stop signal (p.His219Profs*4) in the FBN1 gene. It is expected to result in an absent or disrupted protein product. Loss-of-function variants in FBN1 are known to be pathogenic (PMID: 17657824, 19293843). This variant is not present in population databases (gnomAD no frequency). This premature translational stop signal has been observed in individual(s) with Marfan syndrome (PMID: 32679894). For these reasons, this variant has been classified as Pathogenic.

Literature cited by the submitters: PubMed 17657824; PubMed 19293843; PubMed 32679894.

NM_000138.5(FBN1):c.655dup (p.His219fs)

Gene: FBN1 (fibrillin 1; minus strand). Cytogenetic location: 15q21.1.
Variant type: Duplication.
Coding change: c.655dup on transcript NM_000138.5 (MANE Select); coding-DNA position 655, one base duplicated (C; older notation c.655dupC).
Protein change: p.His219fs; shifts the reading frame from histidine 219.
Molecular consequence: frameshift variant.
Genome position (GRCh38, 1-based): chr15:48,537,692, G duplicated on the plus strand (C on the coding strand, the reverse complement: FBN1 is on the minus strand); the first of 2 consecutive G bases (chr15:48,537,692-48,537,693); duplicating either gives the same sequence. VCF-style (leftmost placement, unchanged base first): chr15-48537691-T-TG. GRCh37 (hg19) VCF-style: chr15-48829888-T-TG.
Other names: c.655dup, p.His219fs (NM_001406716.1, NM_001406717.1); short protein forms H219fs.
Identifiers: ClinVar variation 4785546 (VCV004785546.1).